The following is an entry in ClinVar:

NM_000642.3(AGL):c.3263dup (p.Leu1088fs)

Gene: AGL (amylo-alpha-1,6-glucosidase and 4-alpha-glucanotransferase; plus strand). Cytogenetic location: 1p21.2.
Variant type: Duplication.
Coding change: c.3263dup on transcript NM_000642.3 (MANE Select); coding-DNA position 3263, one base duplicated (T; older notation c.3263dupT).
Protein change: p.Leu1088fs; shifts the reading frame from leucine 1088.
Molecular consequence: frameshift variant.
Genome position (GRCh38, 1-based): chr1:99,896,289, T duplicated; the last of 2 consecutive T bases (chr1:99,896,288-99,896,289); duplicating either gives the same sequence. VCF-style (leftmost placement, unchanged base first): chr1-99896287-C-CT. GRCh37 (hg19) VCF-style: chr1-100361843-C-CT.
Other names: c.3263dup, p.Leu1088fs (NM_000028.3, NM_000643.3, NM_000644.3 and 1 more transcripts); c.3215dup, p.Leu1072fs (NM_000646.3); c.3242dup, p.Leu1081fs (NM_001425326.1); c.3062dup, p.Leu1021fs (NM_001425327.1); c.3059dup, p.Leu1020fs (NM_001425328.1); c.2924dup, p.Leu975fs (NM_001425329.1); c.2885dup, p.Leu962fs (NM_001425332.1); short protein forms L1020fs, L1072fs, L1088fs, L1021fs, L962fs, L975fs, L1081fs.
Identifiers: ClinVar variation 3641534 (VCV003641534.2).

ClinVar aggregate classification (germline): Pathogenic (1 of 4 stars; one submission).

Conditions:
Glycogen storage disease type III (GSD3). Also called: FORBES DISEASE; Cori disease. Identifiers: Orphanet 366, MedGen C0017922, MONDO:0009291, OMIM 232400.

Submission:

Labcorp Genetics (formerly Invitae), Labcorp
Classification: Pathogenic for Glycogen storage disease type III. Last evaluated: 2024-02-17. Review status: criteria provided, single submitter. Criteria: Invitae Variant Classification Sherloc (09022015). Collection method: clinical testing. Allele origin: germline.
Comment: This sequence change creates a premature translational stop signal (p.Leu1088Phefs*21) in the AGL gene. It is expected to result in an absent or disrupted protein product. Loss-of-function variants in AGL are known to be pathogenic (PMID: 19299494). This variant is not present in population databases (gnomAD no frequency). This variant has not been reported in the literature in individuals affected with AGL-related conditions. For these reasons, this variant has been classified as Pathogenic.

Literature cited by the submitters: PubMed 19299494.